The following is an entry in ClinVar:

ClinVar aggregate classification (germline): Uncertain significance (1 of 4 stars; one submission).

Submission:

Labcorp Genetics (formerly Invitae), Labcorp
Classification: Uncertain significance. Last evaluated: 2025-12-08. Review status: criteria provided, single submitter. Criteria: Invitae Variant Classification Sherloc (09022015). Collection method: clinical testing. Allele origin: germline.
Comment: This sequence change replaces tyrosine, which is neutral and polar, with asparagine, which is neutral and polar, at codon 307 of the LARS2 protein (p.Tyr307Asn). This variant is not present in population databases (gnomAD no frequency). This variant has not been reported in the literature in individuals affected with LARS2-related conditions. ClinVar contains an entry for this variant (Variation ID: 1367511). Invitae Evidence Modeling of protein sequence and biophysical properties (such as structural, functional, and spatial information, amino acid conservation, physicochemical variation, residue mobility, and thermodynamic stability) indicates that this missense variant is not expected to disrupt LARS2 protein function with a negative predictive value of 80%. In summary, the available evidence is currently insufficient to determine the role of this variant in disease. Therefore, it has been classified as a Variant of Uncertain Significance.

NM_015340.4(LARS2):c.919T>A (p.Tyr307Asn)

Gene: LARS2 (leucyl-tRNA synthetase 2, mitochondrial; plus strand). Cytogenetic location: 3p21.31.
Variant type: single nucleotide variant.
Coding change: c.919T>A on transcript NM_015340.4 (MANE Select); coding-DNA position 919, T replaced by A.
Protein change: p.Tyr307Asn; replaces tyrosine 307 with asparagine.
Molecular consequence: missense variant.
Genome position (GRCh38, 1-based): chr3:45,476,528, T>A. VCF-style: chr3-45476528-T-A. GRCh37 (hg19) VCF-style: chr3-45518020-T-A.
Other names: c.919T>A, p.Tyr307Asn (NM_001368263.1); short protein forms Y307N.
Identifiers: ClinVar variation 1367511 (VCV001367511.8), dbSNP rs2125719987, ClinGen allele CA352423694.